The following is an entry in ClinVar:

ClinVar aggregate classification (germline): Uncertain significance (1 of 4 stars; one submission).

Submission:

Labcorp Genetics (formerly Invitae), Labcorp
Classification: Uncertain significance. Last evaluated: 2024-10-15. Review status: criteria provided, single submitter. Criteria: Invitae Variant Classification Sherloc (09022015). Collection method: clinical testing. Allele origin: germline.
Comment: This sequence change falls in intron 8 of the EIF2AK2 gene. It does not directly change the encoded amino acid sequence of the EIF2AK2 protein. It affects a nucleotide within the consensus splice site. This variant is present in population databases (rs779744098, gnomAD 0.003%). This variant has not been reported in the literature in individuals affected with EIF2AK2-related conditions. Variants that disrupt the consensus splice site are a relatively common cause of aberrant splicing (PMID: 17576681, 9536098). Algorithms developed to predict the effect of sequence changes on RNA splicing suggest that this variant may disrupt the consensus splice site. In summary, the available evidence is currently insufficient to determine the role of this variant in disease. Therefore, it has been classified as a Variant of Uncertain Significance.

Literature cited by the submitters: PubMed 17576681; PubMed 9536098.

NM_001135651.3(EIF2AK2):c.687+3A>G

Gene: EIF2AK2 (eukaryotic translation initiation factor 2 alpha kinase 2; minus strand). Cytogenetic location: 2p22.2.
Variant type: single nucleotide variant.
Coding change: c.687+3A>G on transcript NM_001135651.3 (MANE Select); 3 bases into the intron after coding-DNA position 687, A replaced by G.
Molecular consequence: intron variant.
Genome position (GRCh38, 1-based): chr2:37,138,267, T>C on the plus strand (A>G on the coding strand, the complement: EIF2AK2 is on the minus strand). VCF-style: chr2-37138267-T-C. GRCh37 (hg19) VCF-style: chr2-37365410-T-C.
Other names: c.687+3A>G (NM_002759.4, NM_001135652.2).
Identifiers: ClinVar variation 3693209 (VCV003693209.2).